The following is an entry in ClinVar:

NM_004434.3(EML1):c.726G>A (p.Pro242=)

Gene: EML1 (EMAP like 1; plus strand). Cytogenetic location: 14q32.2.
Variant type: single nucleotide variant.
Coding change: c.726G>A on transcript NM_004434.3 (MANE Select); coding-DNA position 726, G replaced by A.
Protein change: p.Pro242=; no amino-acid change (proline 242 retained).
Molecular consequence: synonymous variant.
Genome position (GRCh38, 1-based): chr14:99,897,193, G>A. VCF-style: chr14-99897193-G-A. GRCh37 (hg19) VCF-style: chr14-100363530-G-A.
Other names: c.783G>A, p.Pro261= (NM_001008707.2); c.687G>A, p.Pro229= (NM_001375411.1); c.726G>A, p.Pro242= (NM_001375412.1).
Identifiers: ClinVar variation 3052796 (VCV003052796.2), dbSNP rs368509823, ClinGen allele CA7342414.

ClinVar aggregate classification (germline): Likely benign (0 of 4 stars; one submission).

Conditions:
EML1-related disorder. Also called: EML1-related condition.

Allele frequency attached by ClinVar (database versions not stated): TOPMed 0.00004; ExAC 0.00005; gnomAD 0.00005; gnomAD exomes 0.00007; ESP Exome Variant Server 0.00015; 1000 Genomes Project 0.00020; 1000 Genomes Project 30x 0.00031.
gnomAD v4.1: 106 of 1,612,858 alleles (0.0066%); highest among the groups gnomAD compares: East Asian, 0.011%; 1 homozygote.

Submission:

PreventionGenetics, part of Exact Sciences
Classification: Likely benign for EML1-related condition. Last evaluated: 2019-03-01. Review status: no assertion criteria provided. Collection method: clinical testing. Allele origin: germline.
Comment: This variant is classified as likely benign based on ACMG/AMP sequence variant interpretation guidelines (Richards et al. 2015 PMID: 25741868, with internal and published modifications).